The following is an entry in ClinVar:

ClinVar aggregate classification (germline): Uncertain significance. Review status: criteria provided, multiple submitters, no conflicts (2 of 4 stars). 2 submissions from 2 submitters: Uncertain significance (2). Last evaluated 2025-08-06.

Allele frequency attached by ClinVar (database versions not stated): gnomAD 0.00001; gnomAD exomes 0.00001.

Submissions (2):

Ambry Genetics
Classification: Uncertain significance. Last evaluated: 2025-08-06. Review status: criteria provided, single submitter. Criteria: Ambry Variant Classification Scheme 2023. Collection method: clinical testing. Allele origin: germline.

Labcorp Genetics (formerly Invitae), Labcorp
Classification: Uncertain significance. Last evaluated: 2022-08-01. Review status: criteria provided, single submitter. Criteria: Invitae Variant Classification Sherloc (09022015). Collection method: clinical testing. Allele origin: germline.
Comment: This variant has not been reported in the literature in individuals affected with KIAA0556-related conditions. In summary, the available evidence is currently insufficient to determine the role of this variant in disease. Therefore, it has been classified as a Variant of Uncertain Significance. Algorithms developed to predict the effect of missense changes on protein structure and function output the following: SIFT: "Tolerated"; PolyPhen-2: "Benign"; Align-GVGD: "Class C0". The threonine amino acid residue is found in multiple mammalian species, which suggests that this missense change does not adversely affect protein function. This variant is present in population databases (no rsID available, gnomAD 0.004%). This sequence change replaces alanine, which is neutral and non-polar, with threonine, which is neutral and polar, at codon 872 of the KIAA0556 protein (p.Ala872Thr).

NM_015202.5(KATNIP):c.2614G>A (p.Ala872Thr)

Gene: KATNIP (katanin interacting protein; plus strand). Cytogenetic location: 16p12.1.
Variant type: single nucleotide variant.
Coding change: c.2614G>A on transcript NM_015202.5 (MANE Select); coding-DNA position 2614, G replaced by A.
Protein change: p.Ala872Thr; replaces alanine 872 with threonine.
Molecular consequence: missense variant.
Genome position (GRCh38, 1-based): chr16:27,740,911, G>A. VCF-style: chr16-27740911-G-A. GRCh37 (hg19) VCF-style: chr16-27752232-G-A.
Other names: c.2614G>A (NM_015202.2); short protein forms A872T.
Identifiers: ClinVar variation 1918181 (VCV001918181.4), dbSNP rs1012636582, ClinGen allele CA279757104.